The following is an entry in ClinVar:

NM_019112.4(ABCA7):c.501A>G (p.Glu167=)

Gene: ABCA7 (ATP binding cassette subfamily A member 7; plus strand). Cytogenetic location: 19p13.3.
Variant type: single nucleotide variant.
Coding change: c.501A>G on transcript NM_019112.4 (MANE Select); coding-DNA position 501, A replaced by G.
Protein change: p.Glu167=; no amino-acid change (glutamic acid 167 retained).
Molecular consequence: synonymous variant.
Genome position (GRCh38, 1-based): chr19:1,042,748, A>G. VCF-style: chr19-1042748-A-G. GRCh37 (hg19) VCF-style: chr19-1042747-A-G.
Identifiers: ClinVar variation 3043028 (VCV003043028.3), dbSNP rs531280216, ClinGen allele CA9032655.

ClinVar aggregate classification (germline): Likely benign. Review status: criteria provided, single submitter (1 of 4 stars). 2 submissions from 2 submitters: Likely benign (1). 1 of the submissions does not count toward it. Last evaluated 2024-11-27.

Conditions:
ABCA7-related disorder. Also called: ABCA7-related condition.

Allele frequency attached by ClinVar (database versions not stated): TOPMed 0.00005; gnomAD 0.00013; gnomAD exomes 0.00034; 1000 Genomes Project 30x 0.00047; 1000 Genomes Project 0.00060; ExAC 0.00061.
gnomAD v4.1: 505 of 1,613,398 alleles (0.031%); highest among the groups gnomAD compares: South Asian, 0.48%; 7 homozygotes.

Submissions (2):

Blueprint Genetics
Classification: Likely benign. Last evaluated: 2024-11-27. Review status: criteria provided, single submitter. Criteria: ACMG Guidelines, 2015. Collection method: clinical testing. Allele origin: germline.

PreventionGenetics, part of Exact Sciences
Classification: Benign for ABCA7-related condition. Last evaluated: 2019-06-28. Review status: no assertion criteria provided. Collection method: clinical testing. Allele origin: germline. Not counted in ClinVar's aggregate classification.
Comment: This variant is classified as benign based on ACMG/AMP sequence variant interpretation guidelines (Richards et al. 2015 PMID: 25741868, with internal and published modifications).